The following is an entry in ClinVar:

NM_201384.3(PLEC):c.5874G>A (p.Thr1958=)

Gene: PLEC (plectin; minus strand). Cytogenetic location: 8q24.3.
Variant type: single nucleotide variant.
Coding change: c.5874G>A on transcript NM_201384.3 (MANE Select); coding-DNA position 5874, G replaced by A.
Protein change: p.Thr1958=; no amino-acid change (threonine 1958 retained).
Molecular consequence: synonymous variant.
Genome position (GRCh38, 1-based): chr8:143,924,055, C>T on the plus strand (G>A on the coding strand, the complement: PLEC is on the minus strand). VCF-style: chr8-143924055-C-T. GRCh37 (hg19) VCF-style: chr8-144998223-C-T.
Other names: c.5955G>A, p.Thr1985= (NM_000445.5); c.5832G>A, p.Thr1944= (NM_201378.4); c.5808G>A, p.Thr1936= (NM_201379.3); c.6285G>A, p.Thr2095= (NM_201380.4); c.5778G>A, p.Thr1926= (NM_201381.3); c.5874G>A, p.Thr1958= (NM_201382.4); c.5886G>A, p.Thr1962= (NM_201383.3); c.5955G>A (NM_000445.3).
Identifiers: ClinVar variation 284600 (VCV000284600.20), dbSNP rs185082202, ClinGen allele CA4926206.

ClinVar aggregate classification (germline): Conflicting classifications of pathogenicity. Review status: criteria provided, conflicting classifications (1 of 4 stars). 5 submissions from 5 submitters: Uncertain significance (1); Likely benign (3). 1 of the submissions does not count toward it. Last evaluated 2025-12-15.

Conditions:
PLEC-related disorder. Also called: PLEC-related condition; PLEC-related disorders.
Autosomal recessive limb-girdle muscular dystrophy type 2Q (LGMDR17). Also called: MUSCULAR DYSTROPHY, LIMB-GIRDLE, AUTOSOMAL RECESSIVE 17. Identifiers: Orphanet 254361, MedGen C3150989, MONDO:0013390, OMIM 613723.
Epidermolysis bullosa simplex 5B, with muscular dystrophy (EBS5B). Also called: EPIDERMOLYSIS BULLOSA SIMPLEX AND LIMB-GIRDLE MUSCULAR DYSTROPHY; Epidermolysis bullosa simplex with muscular dystrophy. Identifiers: Orphanet 257, MedGen C2931072, MONDO:0009181, OMIM 226670.
Epidermolysis bullosa simplex with nail dystrophy (EBS5D). Identifiers: MedGen C4225309, MONDO:0014661, OMIM 616487.
Epidermolysis bullosa simplex 5C, with pyloric atresia (EBS5C). Also called: PLEC-Related Epidermolysis Bullosa with Pyloric Atresia; PLEC1-Related Epidermolysis Bullosa with Pyloric Atresia; Epidermolysis bullosa simplex with pyloric atresia. Identifiers: Orphanet 158684, MedGen C2677349, MONDO:0012807, OMIM 612138.
Epidermolysis bullosa simplex, Ogna type (EBS5A). Also called: Pidermolysis bullosa simplex 5A, Ogna type; EPIDERMOLYSIS BULLOSA SIMPLEX 5A, OGNA TYPE. Identifiers: Orphanet 79401, MedGen C0432317, MONDO:0007555, OMIM 131950.

Allele frequency attached by ClinVar (database versions not stated): ExAC 0.00009; gnomAD exomes 0.00009; 1000 Genomes Project 30x 0.00016; ESP Exome Variant Server 0.00016; 1000 Genomes Project 0.00020; gnomAD 0.00042 and 0.00046; TOPMed 0.00047.
gnomAD v4.1: 124 of 1,596,912 alleles (0.0078%); highest among the groups gnomAD compares: African/African-American, 0.13%; no homozygotes.

Submissions (5):

Labcorp Genetics (formerly Invitae), Labcorp
Classification: Likely benign for Autosomal recessive limb-girdle muscular dystrophy type 2Q; Epidermolysis bullosa simplex, Ogna type; Epidermolysis bullosa simplex with nail dystrophy; Epidermolysis bullosa simplex 5C, with pyloric atresia; Epidermolysis bullosa simplex 5B, with muscular dystrophy. Last evaluated: 2025-12-15. Review status: criteria provided, single submitter. Criteria: Invitae Variant Classification Sherloc (09022015). Collection method: clinical testing. Allele origin: germline.

Revvity Omics, Revvity
Classification: Likely benign. Last evaluated: 2025-04-08. Review status: criteria provided, single submitter. Criteria: ACMG Guidelines, 2015. Collection method: clinical testing. Allele origin: germline.

Blueprint Genetics
Classification: Likely benign. Last evaluated: 2023-11-02. Review status: criteria provided, single submitter. Criteria: ACMG Guidelines, 2015. Collection method: clinical testing. Allele origin: germline.

Eurofins Ntd Llc (ga)
Classification: Uncertain significance. Last evaluated: 2017-11-14. Review status: criteria provided, single submitter. Criteria: EGL Classification Definitions 2015. Collection method: clinical testing. Allele origin: germline. Observed: 3 variant alleles, 3 heterozygotes.

PreventionGenetics, part of Exact Sciences
Classification: Likely benign for PLEC-related condition. Last evaluated: 2019-10-28. Review status: no assertion criteria provided. Collection method: clinical testing. Allele origin: germline. Not counted in ClinVar's aggregate classification.
Comment: This variant is classified as likely benign based on ACMG/AMP sequence variant interpretation guidelines (Richards et al. 2015 PMID: 25741868, with internal and published modifications).